The following is an entry in ClinVar:

ClinVar aggregate classification (germline): Uncertain significance. Review status: criteria provided, multiple submitters, no conflicts (2 of 4 stars). 2 submissions from 2 submitters: Uncertain significance (2). Last evaluated 2024-09-15.

Conditions:
Mowat-Wilson syndrome (MOWS). Also called: Classic Mowat-Wilson Syndrome. Identifiers: Orphanet 2152, MedGen C1856113, MONDO:0009341, OMIM 235730.

Allele frequency attached by ClinVar (database versions not stated): gnomAD 0.00001; TOPMed 0.00001.
gnomAD v4.1: 1 of 1,608,272 alleles (0.000062%); highest among the groups gnomAD compares: Non-Finnish European, 0.000085%; no homozygotes.

Submissions (2):

Labcorp Genetics (formerly Invitae), Labcorp
Classification: Uncertain significance for Mowat-Wilson syndrome. Last evaluated: 2024-09-15. Review status: criteria provided, single submitter. Criteria: Invitae Variant Classification Sherloc (09022015). Collection method: clinical testing. Allele origin: germline.
Comment: This sequence change replaces arginine, which is basic and polar, with glutamine, which is neutral and polar, at codon 1110 of the ZEB2 protein (p.Arg1110Gln). This variant is not present in population databases (gnomAD no frequency). This variant has not been reported in the literature in individuals affected with ZEB2-related conditions. ClinVar contains an entry for this variant (Variation ID: 586947). Invitae Evidence Modeling of protein sequence and biophysical properties (such as structural, functional, and spatial information, amino acid conservation, physicochemical variation, residue mobility, and thermodynamic stability) indicates that this missense variant is not expected to disrupt ZEB2 protein function with a negative predictive value of 80%. In summary, the available evidence is currently insufficient to determine the role of this variant in disease. Therefore, it has been classified as a Variant of Uncertain Significance.

Athena Diagnostics
Classification: Uncertain significance. Last evaluated: 2018-06-19. Review status: criteria provided, single submitter. Criteria: Athena Diagnostics Criteria. Collection method: clinical testing. Allele origin: germline.

NM_014795.4(ZEB2):c.3329G>A (p.Arg1110Gln)

Gene: ZEB2 (zinc finger E-box binding homeobox 2; minus strand). Cytogenetic location: 2q22.3.
Variant type: single nucleotide variant.
Coding change: c.3329G>A on transcript NM_014795.4 (MANE Select); coding-DNA position 3329, G replaced by A.
Protein change: p.Arg1110Gln; replaces arginine 1110 with glutamine.
Molecular consequence: missense variant.
Genome position (GRCh38, 1-based): chr2:144,389,767, C>T on the plus strand (G>A on the coding strand, the complement: ZEB2 is on the minus strand). VCF-style: chr2-144389767-C-T. GRCh37 (hg19) VCF-style: chr2-145147334-C-T.
Other names: c.3257G>A, p.Arg1086Gln (NM_001171653.2); short protein forms R1110Q, R1086Q.
Identifiers: ClinVar variation 586947 (VCV000586947.3), dbSNP rs1346483037, ClinGen allele CA348699641.